The following is an entry in ClinVar:

ClinVar aggregate classification (germline): Uncertain significance. Review status: criteria provided, multiple submitters, no conflicts (2 of 4 stars). 2 submissions from 2 submitters: Uncertain significance (2). Last evaluated 2024-03-04.

Conditions:
Very long chain acyl-CoA dehydrogenase deficiency (ACADVLD). Also called: Very Long-Chain Acyl-Coenzyme A Dehydrogenase Deficiency; VLCAD Deficiency. Identifiers: Orphanet 26793, MedGen C3887523, MONDO:0008723, OMIM 201475.

Allele frequency attached by ClinVar (database versions not stated): gnomAD exomes 0.00001 and 0.00002; ExAC 0.00002.
gnomAD v4.1: 27 of 1,614,126 alleles (0.0017%); highest among the groups gnomAD compares: South Asian, 0.0088%; no homozygotes.

Submissions (2):

Labcorp Genetics (formerly Invitae), Labcorp
Classification: Uncertain significance for Very long chain acyl-CoA dehydrogenase deficiency. Last evaluated: 2024-03-04. Review status: criteria provided, single submitter. Criteria: Invitae Variant Classification Sherloc (09022015). Collection method: clinical testing. Allele origin: germline.
Comment: This sequence change replaces arginine, which is basic and polar, with cysteine, which is neutral and slightly polar, at codon 162 of the ACADVL protein (p.Arg162Cys). This variant is present in population databases (rs751423064, gnomAD 0.006%). This variant has not been reported in the literature in individuals affected with ACADVL-related conditions. ClinVar contains an entry for this variant (Variation ID: 932860). Advanced modeling of protein sequence and biophysical properties (such as structural, functional, and spatial information, amino acid conservation, physicochemical variation, residue mobility, and thermodynamic stability) performed at Invitae indicates that this missense variant is expected to disrupt ACADVL protein function with a positive predictive value of 95%. In summary, the available evidence is currently insufficient to determine the role of this variant in disease. Therefore, it has been classified as a Variant of Uncertain Significance.

Wong Mito Lab, Molecular and Human Genetics, Baylor College of Medicine
Classification: Uncertain significance for Very long chain acyl-CoA dehydrogenase deficiency. Last evaluated: 2019-11-01. Review status: criteria provided, single submitter. Criteria: ACMG Guidelines, 2015. Collection method: clinical testing. Allele origin: germline.
Comment: The NM_000018.3:c.484C>T (NP_000009.1:p.Arg162Cys) [GRCH38: NC_000017.11:g.7221544C>T] variant in ACADVL gene is interpretated to be Uncertain Significance based on ACMG guidelines (PMID: 25741868). This variant has been reported. This variant meets the following evidence codes reported in the ACMG guidelines: PP3

NM_000018.4(ACADVL):c.484C>T (p.Arg162Cys)

Gene: ACADVL (acyl-CoA dehydrogenase very long chain; plus strand). Cytogenetic location: 17p13.1.
Variant type: single nucleotide variant.
Coding change: c.484C>T on transcript NM_000018.4 (MANE Select); coding-DNA position 484, C replaced by T.
Protein change: p.Arg162Cys; replaces arginine 162 with cysteine.
Molecular consequence: missense variant.
Genome position (GRCh38, 1-based): chr17:7,221,544, C>T. VCF-style: chr17-7221544-C-T. GRCh37 (hg19) VCF-style: chr17-7124863-C-T.
Other names: c.418C>T, p.Arg140Cys (NM_001033859.3); c.553C>T, p.Arg185Cys (NM_001270447.2); c.256C>T, p.Arg86Cys (NM_001270448.2); short protein forms R140C, R162C, R86C, R185C.
Identifiers: ClinVar variation 932860 (VCV000932860.9), dbSNP rs751423064, ClinGen allele CA8337743.